The following is an entry in ClinVar:

ClinVar aggregate classification (germline): Uncertain significance (1 of 4 stars; one submission).

Allele frequency attached by ClinVar (database versions not stated): gnomAD 0.00002 and 0.00003; TOPMed 0.00003; ESP Exome Variant Server 0.00016.
gnomAD v4.1: 27 of 1,603,062 alleles (0.0017%); highest among the groups gnomAD compares: Middle Eastern, 0.016%; no homozygotes.

Submission:

Labcorp Genetics (formerly Invitae), Labcorp
Classification: Uncertain significance. Last evaluated: 2022-03-31. Review status: criteria provided, single submitter. Criteria: Invitae Variant Classification Sherloc (09022015). Collection method: clinical testing. Allele origin: germline.
Comment: In summary, the available evidence is currently insufficient to determine the role of this variant in disease. Therefore, it has been classified as a Variant of Uncertain Significance. This variant is present in population databases (rs368176243, gnomAD 0.02%). This sequence change replaces proline, which is neutral and non-polar, with leucine, which is neutral and non-polar, at codon 579 of the KIAA1549 protein (p.Pro579Leu). This variant has not been reported in the literature in individuals affected with KIAA1549-related conditions. ClinVar contains an entry for this variant (Variation ID: 840326). Algorithms developed to predict the effect of missense changes on protein structure and function are either unavailable or do not agree on the potential impact of this missense change (SIFT: "Deleterious"; PolyPhen-2: "Possibly Damaging"; Align-GVGD: "Class C0").

NM_001164665.2(KIAA1549):c.1736C>T (p.Pro579Leu)

Gene: KIAA1549 (KIAA1549; minus strand). Cytogenetic location: 7q34.
Variant type: single nucleotide variant.
Coding change: c.1736C>T on transcript NM_001164665.2 (MANE Select); coding-DNA position 1736, C replaced by T.
Protein change: p.Pro579Leu; replaces proline 579 with leucine.
Molecular consequence: missense variant.
Genome position (GRCh38, 1-based): chr7:138,917,890, G>A on the plus strand (C>T on the coding strand, the complement: KIAA1549 is on the minus strand). VCF-style: chr7-138917890-G-A. GRCh37 (hg19) VCF-style: chr7-138602636-G-A.
Other names: c.1736C>T, p.Pro579Leu (NM_020910.3); short protein forms P579L.
Identifiers: ClinVar variation 840326 (VCV000840326.5), dbSNP rs368176243, ClinGen allele CA4506649.